The following is an entry in ClinVar:

ClinVar aggregate classification (germline): Pathogenic/Likely pathogenic. Review status: criteria provided, multiple submitters, no conflicts (2 of 4 stars). 2 submissions from 2 submitters: Pathogenic (1); Likely pathogenic (1). Last evaluated 2026-01-26.

Conditions:
BAP1-related tumor predisposition syndrome (TPDS1). Also called: COMMON Syndrome; TUMOR PREDISPOSITION SYNDROME 1; BAP1 tumor predisposition syndrome; Tumor susceptibility linked to germline BAP1 mutations. Identifiers: Orphanet 289539, MedGen C3280492, MONDO:0013692, OMIM 614327.
Hereditary cancer-predisposing syndrome. Also called: Neoplastic Syndromes, Hereditary; Hereditary Cancer Syndrome; Hereditary neoplastic syndrome; Tumor predisposition. Identifiers: Orphanet 140162, MedGen C0027672, MeSH D009386, MONDO:0015356.

Submissions (2):

Labcorp Genetics (formerly Invitae), Labcorp
Classification: Pathogenic for BAP1-related tumor predisposition syndrome. Last evaluated: 2026-01-26. Review status: criteria provided, single submitter. Criteria: Invitae Variant Classification Sherloc (09022015). Collection method: clinical testing. Allele origin: germline.
Comment: This sequence change creates a premature translational stop signal (p.Gln40*) in the BAP1 gene. It is expected to result in an absent or disrupted protein product. Loss-of-function variants in BAP1 are known to be pathogenic (PMID: 21874000, 23684012). This variant is not present in population databases (gnomAD no frequency). This variant has not been reported in the literature in individuals affected with BAP1-related conditions. ClinVar contains an entry for this variant (Variation ID: 539912). For these reasons, this variant has been classified as Pathogenic.

Ambry Genetics
Classification: Likely pathogenic for Hereditary cancer-predisposing syndrome. Last evaluated: 2023-01-10. Review status: criteria provided, single submitter. Criteria: Ambry Variant Classification Scheme 2023. Collection method: clinical testing. Allele origin: germline.
Comment: The p.Q40* variant (also known as c.118C>T), located in coding exon 3 of the BAP1 gene, results from a C to T substitution at nucleotide position 118. This changes the amino acid from a glutamine to a stop codon within coding exon 3. The predicted stop codon occurs in the 5&rsquo; end of theBAP1 gene. Premature termination codons in the 5&rsquo; end of a gene have been reported to escape nonsense-mediated mRNAdecay and/or lead to re-initiation (Rivas et al. Science. 2015 May 8;348(6235):666-9; Lindeboom et al. Nat Genet. 2016 Oct;48(10):1112-8; Rhee et al. Sci Rep. 2017 May 10;7(1):1653). Direct evidence for this alteration is unavailable, however premature termination codons are typically deleterious in nature. This variant is considered to be rare based on population cohorts in the Genome Aggregation Database (gnomAD). Based on the majority of available evidence to date, this variant is likely to be pathogenic.

Literature cited by the submitters: PubMed 21874000 (cited by Labcorp Genetics (formerly Invitae), Labcorp); PubMed 23684012 (cited by Labcorp Genetics (formerly Invitae), Labcorp).

NM_004656.4(BAP1):c.118C>T (p.Gln40Ter)

Gene: BAP1 (BRCA1 associated deubiquitinase 1; minus strand). Cytogenetic location: 3p21.1.
Variant type: single nucleotide variant.
Coding change: c.118C>T on transcript NM_004656.4 (MANE Select); coding-DNA position 118, C replaced by T.
Protein change: p.Gln40Ter; replaces glutamine 40 with a stop codon.
Molecular consequence: nonsense.
Genome position (GRCh38, 1-based): chr3:52,409,558, G>A on the plus strand (C>T on the coding strand, the complement: BAP1 is on the minus strand). VCF-style: chr3-52409558-G-A. GRCh37 (hg19) VCF-style: chr3-52443574-G-A.
Other names: c.118C>T (NM_004656.2); short protein forms Q40*.
Identifiers: ClinVar variation 539912 (VCV000539912.7), dbSNP rs1553646284, ClinGen allele CA353114487.